The following is an entry in ClinVar:

NM_001126108.2(SLC12A3):c.2273T>G (p.Ile758Ser)

Gene: SLC12A3 (solute carrier family 12 member 3; plus strand). Cytogenetic location: 16q13.
Variant type: single nucleotide variant.
Coding change: c.2273T>G on transcript NM_001126108.2 (MANE Select); coding-DNA position 2273, T replaced by G.
Protein change: p.Ile758Ser; replaces isoleucine 758 with serine.
Molecular consequence: missense variant.
Genome position (GRCh38, 1-based): chr16:56,888,019, T>G. VCF-style: chr16-56888019-T-G. GRCh37 (hg19) VCF-style: chr16-56921931-T-G.
Other names: c.2273T>G, p.Ile758Ser (NM_000339.3); c.2270T>G, p.Ile757Ser (NM_001126107.2); short protein forms I757S, I758S.
Identifiers: ClinVar variation 813954 (VCV000813954.1), dbSNP rs61730207, ClinGen allele CA8069803.

ClinVar aggregate classification (germline): Uncertain significance (1 of 4 stars; one submission).

Conditions:
Familial hypokalemia-hypomagnesemia (GTLMNS). Also called: HYPOMAGNESEMIA-HYPOKALEMIA, PRIMARY RENOTUBULAR, WITH HYPOCALCIURIA; POTASSIUM AND MAGNESIUM DEPLETION; gitelman syndrome. Identifiers: Orphanet 358, MedGen C0268450, MONDO:0009904, OMIM 263800.

Allele frequency attached by ClinVar (database versions not stated): TOPMed 0.00001.
gnomAD v4.1: 5 of 1,609,400 alleles (0.00031%); highest among the groups gnomAD compares: Non-Finnish European, 0.00042%; no homozygotes.

Submission:

Broad Center for Mendelian Genomics, Broad Institute of MIT and Harvard
Classification: Uncertain significance for Familial hypokalemia-hypomagnesemia. Last evaluated: 2018-12-03. Review status: criteria provided, single submitter. Criteria: ACMG Guidelines, 2015. Collection method: research. Allele origin: germline. Inheritance: Autosomal recessive inheritance. Affected: yes.
Comment: The presence of this variant in combination with a likely pathogenic variant and in an individual with Gitelman syndrome increases the likelihood that the p.Ile758Ser variant is pathogenic. This variant has been identified in 0.001792% (2/111584) of European (non-Finnish) chromosomes by the Genome Aggregation Database (gnomAD; dbSNP rs61730207). Computational prediction tools and conservation analyses do not provide strong support for or against an impact to the protein. In summary, the clinical significance of the p.Ile758Ser variant is uncertain. ACMG/AMP Criteria applied: PM2, PM3_Supporting (Richards 2015).